The following is an entry in ClinVar:

NM_000051.4(ATM):c.8364T>G (p.His2788Gln)

Genes: ATM (ATM serine/threonine kinase; plus strand), C11orf65 (chromosome 11 open reading frame 65; minus strand). Cytogenetic location: 11q22.3.
Variant type: single nucleotide variant.
Coding change: c.8364T>G on transcript NM_000051.4 (MANE Select); coding-DNA position 8364, T replaced by G.
Protein change: p.His2788Gln; replaces histidine 2788 with glutamine.
Molecular consequence: missense variant. On other transcripts: intron variant (2).
Genome position (GRCh38, 1-based): chr11:108,343,317, T>G. VCF-style: chr11-108343317-T-G. GRCh37 (hg19) VCF-style: chr11-108214044-T-G.
Other names: c.8364T>G, p.His2788Gln (NM_001351834.2); c.641-34246A>C (NM_001330368.2); c.695-8025A>C (NM_001351110.2); short protein forms H2788Q.
Identifiers: ClinVar variation 1519867 (VCV001519867.11), dbSNP rs1591248749, ClinGen allele CA382516511.

ClinVar aggregate classification (germline): Uncertain significance. Review status: criteria provided, multiple submitters, no conflicts (2 of 4 stars). 3 submissions from 3 submitters: Uncertain significance (3). Last evaluated 2024-05-01.

Conditions:
Hereditary cancer-predisposing syndrome. Also called: Neoplastic Syndromes, Hereditary; Tumor predisposition; Hereditary Cancer Syndrome; Hereditary neoplastic syndrome. Identifiers: Orphanet 140162, MedGen C0027672, MeSH D009386, MONDO:0015356.
Ataxia-telangiectasia syndrome (AT). Also called: LOUIS-BAR SYNDROME; Cerebello-oculocutaneous telangiectasia; Immunodeficiency with ataxia telangiectasia; Ataxia telangiectasia (A-T); Ataxia-telangiectasia, complementation group D; AT, COMPLEMENTATION GROUP C. Identifiers: Orphanet 100, MedGen C0004135, MONDO:0008840, OMIM 208900.

Submissions (3):

Ambry Genetics
Classification: Uncertain significance for Hereditary cancer-predisposing syndrome. Last evaluated: 2024-05-01. Review status: criteria provided, single submitter. Criteria: Ambry Variant Classification Scheme 2023. Collection method: clinical testing. Allele origin: germline.
Comment: The p.H2788Q variant (also known as c.8364T>G), located in coding exon 56 of the ATM gene, results from a T to G substitution at nucleotide position 8364. The histidine at codon 2788 is replaced by glutamine, an amino acid with highly similar properties. This variant has been identified in the homozygous state and/or in conjunction with other ATM variant(s) in individual(s) who met clinical criteria for ataxia telangiectasia (Hoche F et al. Cerebellum, 2019 Apr;18:225-244; Kim J et al. Nature, 2023 Jul;619:828-836). This amino acid position is highly conserved in available vertebrate species. In addition, the in silico prediction for this alteration is inconclusive. Based on the available evidence, the clinical significance of this variant remains unclear.

Labcorp Genetics (formerly Invitae), Labcorp
Classification: Uncertain significance for Ataxia-telangiectasia syndrome. Last evaluated: 2024-04-29. Review status: criteria provided, single submitter. Criteria: Invitae Variant Classification Sherloc (09022015). Collection method: clinical testing. Allele origin: germline.
Comment: This sequence change replaces histidine, which is basic and polar, with glutamine, which is neutral and polar, at codon 2788 of the ATM protein (p.His2788Gln). This variant is not present in population databases (gnomAD no frequency). This variant has not been reported in the literature in individuals affected with ATM-related conditions. ClinVar contains an entry for this variant (Variation ID: 1519867). An algorithm developed to predict the effect of missense changes on protein structure and function (PolyPhen-2) suggests that this variant is likely to be disruptive. In summary, the available evidence is currently insufficient to determine the role of this variant in disease. Therefore, it has been classified as a Variant of Uncertain Significance.

GeneDx
Classification: Uncertain significance. Last evaluated: 2022-01-07. Review status: criteria provided, single submitter. Criteria: GeneDx Variant Classification Process June 2021. Collection method: clinical testing. Allele origin: germline. Affected: yes.
Comment: Not observed at significant frequency in large population cohorts (gnomAD); In silico analysis supports that this missense variant has a deleterious effect on protein structure/function; Has not been previously published as pathogenic or benign to our knowledge; This variant is associated with the following publications: (PMID: 23532176)

Literature cited by the submitters: PubMed 30338439 (cited by Ambry Genetics); PubMed 37438524 (cited by Ambry Genetics).